The following is an entry in ClinVar:

NM_004959.5(NR5A1):c.428G>C (p.Ser143Thr)

Gene: NR5A1 (nuclear receptor subfamily 5 group A member 1; minus strand). Cytogenetic location: 9q33.3.
Variant type: single nucleotide variant.
Coding change: c.428G>C on transcript NM_004959.5 (MANE Select); coding-DNA position 428, G replaced by C.
Protein change: p.Ser143Thr; replaces serine 143 with threonine.
Molecular consequence: missense variant.
Genome position (GRCh38, 1-based): chr9:124,500,532, C>G on the plus strand (G>C on the coding strand, the complement: NR5A1 is on the minus strand). VCF-style: chr9-124500532-C-G. GRCh37 (hg19) VCF-style: chr9-127262811-C-G.
Other names: short protein forms S143T.
Identifiers: ClinVar variation 1009399 (VCV001009399.9), dbSNP rs944587497, ClinGen allele CA199729024.
Genomic context (GRCh38, chr9:124,500,532, plus strand): 5'-TCGCCCAGTGGCCCAGCAGGTGGACCGGCGGCCAGGCCCTTGGGCTCAGGCCCATGCAGG[C>G]TGGGAGGCAGCACGTAGTCCGGTGCGGGAGGGGGCGGCGGGGGCACCCCCATCGGGGGCC-3'
Protein context (NP_004950.2, residues 133-153): PPAPDYVLPP[Ser143Thr]LHGPEPKGLA

ClinVar aggregate classification (germline): Uncertain significance (1 of 4 stars; one submission).

Conditions:
Oligosynaptic infertility (SPGF1). Also called: OLIGOCHIASMATIC INFERTILITY; SPERMATOGENIC FAILURE 1. Identifiers: MedGen C0403810, MONDO:0009776, OMIM 258150.
46 XY differences of sex development. Also called: 46, XY disorder of sex development (DSD); 46,XY disorder of sex development. Identifiers: Orphanet 98085, MedGen C2751824, MONDO:0020040.

Allele frequency attached by ClinVar (database versions not stated): TOPMed below 0.00001; gnomAD exomes 0.00001.
gnomAD v4.1: 6 of 1,608,544 alleles (0.00037%); highest among the groups gnomAD compares: Admixed American, 0.0033%; no homozygotes.

Submission:

Labcorp Genetics (formerly Invitae), Labcorp
Classification: Uncertain significance for 46 XY differences of sex development; Oligosynaptic infertility. Last evaluated: 2020-02-27. Review status: criteria provided, single submitter. Criteria: Invitae Variant Classification Sherloc (09022015). Collection method: clinical testing. Allele origin: germline.
Comment: In summary, the available evidence is currently insufficient to determine the role of this variant in disease. Therefore, it has been classified as a Variant of Uncertain Significance. Algorithms developed to predict the effect of missense changes on protein structure and function (SIFT, PolyPhen-2, Align-GVGD) all suggest that this variant is likely to be tolerated, but these predictions have not been confirmed by published functional studies and their clinical significance is uncertain. This variant has not been reported in the literature in individuals with NR5A1-related conditions. This variant is not present in population databases (ExAC no frequency). This sequence change replaces serine with threonine at codon 143 of the NR5A1 protein (p.Ser143Thr). The serine residue is weakly conserved and there is a small physicochemical difference between serine and threonine.